The following is an entry in ClinVar:

NM_001377.3(DYNC2H1):c.3181C>G (p.Leu1061Val)

Gene: DYNC2H1 (dynein cytoplasmic 2 heavy chain 1; plus strand). Cytogenetic location: 11q22.3.
Variant type: single nucleotide variant.
Coding change: c.3181C>G on transcript NM_001377.3 (MANE Select); coding-DNA position 3181, C replaced by G.
Protein change: p.Leu1061Val; replaces leucine 1061 with valine.
Molecular consequence: missense variant.
Genome position (GRCh38, 1-based): chr11:103,153,387, C>G. VCF-style: chr11-103153387-C-G. GRCh37 (hg19) VCF-style: chr11-103024116-C-G.
Other names: c.3181C>G, p.Leu1061Val (NM_001080463.2); short protein forms L1061V.
Identifiers: ClinVar variation 195660 (VCV000195660.37), dbSNP rs200466720, ClinGen allele CA242179.

ClinVar aggregate classification (germline): Conflicting classifications of pathogenicity. Review status: criteria provided, conflicting classifications (1 of 4 stars). 10 submissions from 10 submitters: Uncertain significance (3); Likely benign (5). 2 of the submissions do not count toward it. Last evaluated 2026-08-01.

Conditions:
DYNC2H1-related disorder. Also called: DYNC2H1-related condition; DYNC2H1-related disorders. Identifiers: MedGen CN378770.
Jeune thoracic dystrophy. Also called: Infantile thoracic dystrophy; Thoracic pelvic phalangeal dystrophy; Jeune's syndrome; Chondroectodermal dysplasia-like syndrome; Jeune syndrome; Short-rib thoracic dysplasia. Identifiers: Orphanet 474, MedGen C0265275, MONDO:0018770.
Asphyxiating thoracic dystrophy 3. Also called: SHORT-RIB THORACIC DYSPLASIA 3 WITH OR WITHOUT POLYDACTYLY; POLYDACTYLY WITH NEONATAL CHONDRODYSTROPHY, TYPE I; SHORT-RIB THORACIC DYSPLASIA 3/6 WITH POLYDACTYLY, DIGENIC; Short rib polydactyly syndrome 2B; Saldino-Noonan Syndrome. Identifiers: Orphanet 474, Orphanet 93269, Orphanet 93270, Orphanet 93271, MedGen C0036069, MONDO:0013127, OMIM 613091.
Intellectual disability. Also called: intellectual disabilities; Intellectual developmental disorder; Intellectual functioning disability. Identifiers: MedGen C3714756, MeSH D008607, MONDO:0001071, HP:0001249.

Allele frequency attached by ClinVar (database versions not stated): 1000 Genomes Project 30x 0.00031; 1000 Genomes Project 0.00040; gnomAD exomes 0.00089; gnomAD 0.00103 and 0.00140; ESP Exome Variant Server 0.00112; ExAC 0.00118; TOPMed 0.00144.
gnomAD v4.1: 1,831 of 1,553,684 alleles (0.12%); highest among the groups gnomAD compares: Middle Eastern, 0.15%; 3 homozygotes.

Submissions (10):

CeGaT Center for Human Genetics Tuebingen
Classification: Likely benign. Last evaluated: 2026-08-01. Review status: criteria provided, single submitter. Criteria: CeGaT Center For Human Genetics Tuebingen Variant Classification Criteria Version 2. Collection method: clinical testing. Allele origin: germline. Affected: yes. Observed: 3 variant alleles.
Comment: DYNC2H1: BS2

Labcorp Genetics (formerly Invitae), Labcorp
Classification: Likely benign for Jeune thoracic dystrophy. Last evaluated: 2026-02-04. Review status: criteria provided, single submitter. Criteria: Invitae Variant Classification Sherloc (09022015). Collection method: clinical testing. Allele origin: germline.

Blueprint Genetics
Classification: Likely benign. Last evaluated: 2024-11-25. Review status: criteria provided, single submitter. Criteria: ACMG Guidelines, 2015. Collection method: clinical testing. Allele origin: germline.

ARUP Laboratories, Molecular Genetics and Genomics, ARUP Laboratories
Classification: Likely benign for Asphyxiating thoracic dystrophy 3. Last evaluated: 2023-09-11. Review status: criteria provided, single submitter. Criteria: ARUP Molecular Germline Variant Investigation Process 2024. Collection method: clinical testing. Allele origin: germline.

GeneDx
Classification: Likely benign. Last evaluated: 2020-10-23. Review status: criteria provided, single submitter. Criteria: GeneDx Variant Classification Process June 2021. Collection method: clinical testing. Allele origin: germline. Affected: yes.

Genetic Services Laboratory, University of Chicago
Classification: Uncertain significance. Last evaluated: 2019-03-29. Review status: criteria provided, single submitter. Criteria: ACMG Guidelines, 2015. Collection method: clinical testing. Allele origin: germline. Affected: no.

Illumina Laboratory Services, Illumina
Classification: Uncertain significance for Asphyxiating thoracic dystrophy 3. Last evaluated: 2018-01-12. Review status: criteria provided, single submitter. Criteria: ICSL Variant Classification Criteria 13 December 2019. Collection method: clinical testing. Allele origin: germline.

Eurofins Ntd Llc (ga)
Classification: Uncertain significance. Last evaluated: 2014-07-22. Review status: criteria provided, single submitter. Criteria: EGL Classification Definitions 2015. Collection method: clinical testing. Allele origin: germline. Observed: 1 variant allele, 1 heterozygote.

PreventionGenetics, part of Exact Sciences
Classification: Likely benign for DYNC2H1-related condition. Last evaluated: 2022-03-01. Review status: no assertion criteria provided. Collection method: clinical testing. Allele origin: germline. Not counted in ClinVar's aggregate classification.
Comment: This variant is classified as likely benign based on ACMG/AMP sequence variant interpretation guidelines (Richards et al. 2015 PMID: 25741868, with internal and published modifications).

Centre de Biologie Pathologie Génétique, Centre Hospitalier Universitaire de Lille
Classification: Uncertain significance for Intellectual disability. Last evaluated: 2019-01-01. Review status: no assertion criteria provided. Collection method: clinical testing. Allele origin: unknown. Affected: yes. Not counted in ClinVar's aggregate classification.